The following is an entry in ClinVar:

NM_172364.5(CACNA2D4):c.*1334A>G

Gene: CACNA2D4 (calcium voltage-gated channel auxiliary subunit alpha2delta 4; minus strand). Cytogenetic location: 12p13.33.
Variant type: single nucleotide variant.
Coding change: c.*1334A>G on transcript NM_172364.5 (MANE Select); 1334 bases downstream of the stop codon, A replaced by G.
Molecular consequence: 3 prime UTR variant.
Genome position (GRCh38, 1-based): chr12:1,792,321, T>C on the plus strand (A>G on the coding strand, the complement: CACNA2D4 is on the minus strand). VCF-style: chr12-1792321-T-C. GRCh37 (hg19) VCF-style: chr12-1901487-T-C.
Identifiers: ClinVar variation 307807 (VCV000307807.5), dbSNP rs574025393, ClinGen allele CA10636941.

ClinVar aggregate classification (germline): Likely benign (1 of 4 stars; one submission).

Conditions:
Retinal cone dystrophy 4 (RCD4). Identifiers: Orphanet 1872, MedGen C1864849, MONDO:0012507, OMIM 610478.

Allele frequency attached by ClinVar (database versions not stated): gnomAD below 0.00001 and 0.00015; TOPMed 0.00001; 1000 Genomes Project 0.00200; 1000 Genomes Project 30x 0.00203.

Submission:

Illumina Laboratory Services, Illumina
Classification: Likely benign for Retinal cone dystrophy 4. Last evaluated: 2018-01-12. Review status: criteria provided, single submitter. Criteria: ICSL Variant Classification Criteria 13 December 2019. Collection method: clinical testing. Allele origin: germline.
Comment: This variant was observed in the ICSL laboratory as part of a predisposition screen in an ostensibly healthy population. It had not been previously curated by ICSL or reported in the Human Gene Mutation Database (HGMD: prior to June 1st, 2018), and was therefore a candidate for classification through an automated scoring system. Utilizing variant allele frequency, disease prevalence and penetrance estimates, and inheritance mode, an automated score was calculated to assess if this variant is too frequent to cause the disease. Based on the score and internal cut-off values, a variant classified as likely benign is not then subjected to further curation. The score for this variant resulted in a classification of likely benign for this disease.